The following is an entry in ClinVar:

ClinVar aggregate classification (germline): Uncertain significance (1 of 4 stars; one submission).

Submission:

GeneDx
Classification: Uncertain significance. Last evaluated: 2019-11-11. Review status: criteria provided, single submitter. Criteria: GeneDx Variant Classification Process June 2021. Collection method: clinical testing. Allele origin: germline. Affected: yes.
Comment: Not observed in large population cohorts (Lek et al., 2016); In silico analysis, which includes protein predictors and evolutionary conservation, supports a deleterious effect; Has not been previously published as pathogenic or benign to our knowledge

NM_170606.3(KMT2C):c.4667T>C (p.Phe1556Ser)

Gene: KMT2C (lysine methyltransferase 2C; minus strand). Cytogenetic location: 7q36.1.
Variant type: single nucleotide variant.
Coding change: c.4667T>C on transcript NM_170606.3 (MANE Select); coding-DNA position 4667, T replaced by C.
Protein change: p.Phe1556Ser; replaces phenylalanine 1556 with serine.
Molecular consequence: missense variant.
Genome position (GRCh38, 1-based): chr7:152,187,841, A>G on the plus strand (T>C on the coding strand, the complement: KMT2C is on the minus strand). VCF-style: chr7-152187841-A-G. GRCh37 (hg19) VCF-style: chr7-151884926-A-G.
Other names: short protein forms F1556S.
Identifiers: ClinVar variation 1309954 (VCV001309954.2), dbSNP rs2129125216, ClinGen allele CA370103511.